The following is an entry in ClinVar:

ClinVar aggregate classification (germline): Uncertain significance (1 of 4 stars; one submission).

Submission:

Labcorp Genetics (formerly Invitae), Labcorp
Classification: Uncertain significance. Last evaluated: 2022-10-17. Review status: criteria provided, single submitter. Criteria: Invitae Variant Classification Sherloc (09022015). Collection method: clinical testing. Allele origin: germline.
Comment: In summary, the available evidence is currently insufficient to determine the role of this variant in disease. Therefore, it has been classified as a Variant of Uncertain Significance. Advanced modeling of protein sequence and biophysical properties (such as structural, functional, and spatial information, amino acid conservation, physicochemical variation, residue mobility, and thermodynamic stability) performed at Invitae indicates that this missense variant is not expected to disrupt CPLANE1 protein function. This variant has not been reported in the literature in individuals affected with CPLANE1-related conditions. This variant is not present in population databases (gnomAD no frequency). This sequence change replaces alanine, which is neutral and non-polar, with serine, which is neutral and polar, at codon 3070 of the CPLANE1 protein (p.Ala3070Ser).

NM_001384732.1(CPLANE1):c.9370G>T (p.Ala3124Ser)

Gene: CPLANE1 (ciliogenesis and planar polarity effector complex subunit 1; minus strand). Cytogenetic location: 5p13.2.
Variant type: single nucleotide variant.
Coding change: c.9370G>T on transcript NM_001384732.1 (MANE Select); coding-DNA position 9370, G replaced by T.
Protein change: p.Ala3124Ser; replaces alanine 3124 with serine.
Molecular consequence: missense variant.
Genome position (GRCh38, 1-based): chr5:37,114,990, C>A on the plus strand (G>T on the coding strand, the complement: CPLANE1 is on the minus strand). VCF-style: chr5-37114990-C-A. GRCh37 (hg19) VCF-style: chr5-37115092-C-A.
Other names: c.9208G>T, p.Ala3070Ser (NM_023073.4); short protein forms A3124S, A3070S.
Identifiers: ClinVar variation 2017124 (VCV002017124.3), dbSNP rs2546499768, ClinGen allele CA359491841.